The following is an entry in ClinVar:

NM_175918.3(CRIPAK):c.522T>C (p.Cys174=)

Genes: CRIPAK (cysteine rich PAK1 inhibitor; plus strand), UVSSA (UV stimulated scaffold protein A; plus strand), LOC126806945 (P300/CBP strongly-dependent group 1 enhancer GRCh37_chr4:1388225-1389424; plus strand). Cytogenetic location: 4p16.3.
Variant type: single nucleotide variant.
Coding change: c.522T>C on transcript NM_175918.3; coding-DNA position 522, T replaced by C.
Protein change: p.Cys174=; no amino-acid change (cysteine 174 retained).
Molecular consequence: synonymous variant.
Genome position (GRCh38, 1-based): chr4:1,395,033, T>C. VCF-style: chr4-1395033-T-C. GRCh37 (hg19) VCF-style: chr4-1388821-T-C.
Identifiers: ClinVar variation 2654568 (VCV002654568.24), dbSNP rs374335051, ClinGen allele CA2806944.

ClinVar aggregate classification (germline): Likely benign (1 of 4 stars; one submission).

Allele frequency attached by ClinVar (database versions not stated): gnomAD 0.00049; 1000 Genomes Project 0.00200; ExAC 0.00356; ESP Exome Variant Server 0.00650.

Submission:

CeGaT Center for Human Genetics Tuebingen
Classification: Likely benign. Last evaluated: 2026-01-01. Review status: criteria provided, single submitter. Criteria: CeGaT Center For Human Genetics Tuebingen Variant Classification Criteria Version 2. Collection method: clinical testing. Allele origin: germline. Affected: yes. Observed: 14 variant alleles.
Comment: CRIPAK: BP4, BP7